The following is an entry in ClinVar:

NM_006206.6(PDGFRA):c.489C>G (p.Asn163Lys)

Gene: PDGFRA (platelet derived growth factor receptor alpha; plus strand). Cytogenetic location: 4q12.
Variant type: single nucleotide variant.
Coding change: c.489C>G on transcript NM_006206.6 (MANE Select); coding-DNA position 489, C replaced by G.
Protein change: p.Asn163Lys; replaces asparagine 163 with lysine.
Molecular consequence: missense variant.
Genome position (GRCh38, 1-based): chr4:54,263,788, C>G. VCF-style: chr4-54263788-C-G. GRCh37 (hg19) VCF-style: chr4-55129955-C-G.
Other names: c.489C>G, p.Asn163Lys (NM_001347827.2, NM_001347829.2); c.564C>G, p.Asn188Lys (NM_001347828.2); c.528C>G, p.Asn176Lys (NM_001347830.2); short protein forms N163K, N176K, N188K.
Identifiers: ClinVar variation 459103 (VCV000459103.11), dbSNP rs576890188, ClinGen allele CA356889934.

ClinVar aggregate classification (germline): Conflicting classifications of pathogenicity. Review status: criteria provided, conflicting classifications (1 of 4 stars). 4 submissions from 4 submitters: Uncertain significance (3); Likely benign (1). Last evaluated 2025-09-24.

Conditions:
Hereditary cancer-predisposing syndrome. Also called: Tumor predisposition; Hereditary neoplastic syndrome; Neoplastic Syndromes, Hereditary; Hereditary Cancer Syndrome. Identifiers: Orphanet 140162, MedGen C0027672, MeSH D009386, MONDO:0015356.
Idiopathic hypereosinophilic syndrome (HES). Identifiers: Orphanet 3260, MedGen C0206141, MONDO:0011895, OMIM 607685. Disease mechanism: gain of function.
Polyps, multiple and recurrent inflammatory fibroid, gastrointestinal. Identifiers: MedGen C5193005, MONDO:0008285, OMIM 175510.
Gastrointestinal stromal tumor. Also called: Gastrointestinal stroma tumor; Gastrointestinal stromal tumor, somatic. Identifiers: Orphanet 44890, MedGen C0238198, MeSH D046152, MONDO:0011719, OMIM 606764, HP:0100723.

gnomAD v4.1: 1 of 1,614,094 alleles (0.000062%); highest among the groups gnomAD compares: Non-Finnish European, 0.000085%; no homozygotes.

Submissions (4):

Ambry Genetics
Classification: Likely benign for Hereditary cancer-predisposing syndrome. Last evaluated: 2025-09-24. Review status: criteria provided, single submitter. Criteria: Ambry Variant Classification Scheme 2023. Collection method: clinical testing. Allele origin: germline.

Labcorp Genetics (formerly Invitae), Labcorp
Classification: Uncertain significance for Gastrointestinal stromal tumor. Last evaluated: 2025-08-07. Review status: criteria provided, single submitter. Criteria: Invitae Variant Classification Sherloc (09022015). Collection method: clinical testing. Allele origin: germline.
Comment: This sequence change replaces asparagine, which is neutral and polar, with lysine, which is basic and polar, at codon 163 of the PDGFRA protein (p.Asn163Lys). This variant is present in population databases (no rsID available, gnomAD 0.0009%). This variant has not been reported in the literature in individuals affected with PDGFRA-related conditions. ClinVar contains an entry for this variant (Variation ID: 459103). Invitae Evidence Modeling of protein sequence and biophysical properties (such as structural, functional, and spatial information, amino acid conservation, physicochemical variation, residue mobility, and thermodynamic stability) indicates that this missense variant is not expected to disrupt PDGFRA protein function with a negative predictive value of 80%. In summary, the available evidence is currently insufficient to determine the role of this variant in disease. Therefore, it has been classified as a Variant of Uncertain Significance.

GeneDx
Classification: Uncertain significance. Last evaluated: 2024-05-31. Review status: criteria provided, single submitter. Criteria: GeneDx Variant Classification Process June 2021. Collection method: clinical testing. Allele origin: germline. Affected: yes.
Comment: Not observed at significant frequency in large population cohorts (gnomAD); In silico analysis indicates that this missense variant does not alter protein structure/function; Has not been previously published as pathogenic or benign to our knowledge

Fulgent Genetics
Classification: Uncertain significance for Polyps, multiple and recurrent inflammatory fibroid, gastrointestinal; Idiopathic hypereosinophilic syndrome. Last evaluated: 2024-05-14. Review status: criteria provided, single submitter. Criteria: ACMG Guidelines, 2015. Collection method: clinical testing. Allele origin: germline.